The following is an entry in ClinVar:

ClinVar aggregate classification (germline): Uncertain significance (1 of 4 stars; one submission).

Submission:

GeneDx
Classification: Uncertain significance. Last evaluated: 2025-06-24. Review status: criteria provided, single submitter. Criteria: GeneDx Variant Classification Process June 2021. Collection method: clinical testing. Allele origin: germline. Affected: yes.
Comment: Not observed at significant frequency in large population cohorts (gnomAD); Nonsense variant predicted to result in protein truncation as the last 476 amino acid(s) are lost; Has not been previously published as pathogenic or benign to our knowledge

NM_000217.3(KCNA1):c.58C>T (p.Gln20Ter)

Gene: KCNA1 (potassium voltage-gated channel subfamily A member 1; plus strand). Cytogenetic location: 12p13.32.
Variant type: single nucleotide variant.
Coding change: c.58C>T on transcript NM_000217.3 (MANE Select); coding-DNA position 58, C replaced by T.
Protein change: p.Gln20Ter; replaces glutamine 20 with a stop codon.
Molecular consequence: nonsense.
Genome position (GRCh38, 1-based): chr12:4,911,436, C>T. VCF-style: chr12-4911436-C-T. GRCh37 (hg19) VCF-style: chr12-5020602-C-T.
Other names: short protein forms Q20*.
Identifiers: ClinVar variation 4540096 (VCV004540096.1).